The following is an entry in ClinVar:

NM_001365276.2(TNXB):c.5464G>A (p.Val1822Met)

Gene: TNXB (tenascin XB; minus strand). Cytogenetic location: 6p21.33.
Variant type: single nucleotide variant.
Coding change: c.5464G>A on transcript NM_001365276.2 (MANE Select); coding-DNA position 5464, G replaced by A.
Protein change: p.Val1822Met; replaces valine 1822 with methionine.
Molecular consequence: missense variant.
Genome position (GRCh38, 1-based): chr6:32,069,676, C>T on the plus strand (G>A on the coding strand, the complement: TNXB is on the minus strand). VCF-style: chr6-32069676-C-T. GRCh37 (hg19) VCF-style: chr6-32037453-C-T.
Other names: c.5464G>A, p.Val1822Met (NM_019105.8); short protein forms V1822M.
Identifiers: ClinVar variation 1810149 (VCV001810149.2), dbSNP rs533134249, ClinGen allele CA3734705.

ClinVar aggregate classification (germline): Uncertain significance. Review status: criteria provided, multiple submitters, no conflicts (2 of 4 stars). 2 submissions from 2 submitters: Uncertain significance (2). Last evaluated 2024-08-19.

Conditions:
Cardiovascular phenotype. Identifiers: MedGen CN230736.

Allele frequency attached by ClinVar (database versions not stated): gnomAD exomes 0.00001; ExAC 0.00004; 1000 Genomes Project 30x 0.00016; 1000 Genomes Project 0.00020.
gnomAD v4.1: 24 of 1,613,024 alleles (0.0015%); highest among the groups gnomAD compares: South Asian, 0.0055%; no homozygotes.

Submissions (2):

Ambry Genetics
Classification: Uncertain significance for Cardiovascular phenotype. Last evaluated: 2024-08-19. Review status: criteria provided, single submitter. Criteria: Ambry Variant Classification Scheme 2023. Collection method: clinical testing. Allele origin: germline.
Comment: The p.V1822M variant (also known as c.5464G>A), located in coding exon 14 of the TNXB gene, results from a G to A substitution at nucleotide position 5464. The valine at codon 1822 is replaced by methionine, an amino acid with highly similar properties. This amino acid position is conserved. In addition, this alteration is predicted to be tolerated by in silico analysis. Based on the available evidence, the clinical significance of this variant remains unclear.

GeneDx
Classification: Uncertain significance. Last evaluated: 2022-06-29. Review status: criteria provided, single submitter. Criteria: GeneDx Variant Classification Process June 2021. Collection method: clinical testing. Allele origin: germline. Affected: yes.
Comment: Has not been previously published as pathogenic or benign to our knowledge; In silico analysis supports that this missense variant does not alter protein structure/function